The following is an entry in ClinVar:

NM_003742.4(ABCB11):c.3549T>C (p.Ile1183=)

Gene: ABCB11 (ATP binding cassette subfamily B member 11; minus strand). Cytogenetic location: 2q31.1.
Variant type: single nucleotide variant.
Coding change: c.3549T>C on transcript NM_003742.4 (MANE Select); coding-DNA position 3549, T replaced by C.
Protein change: p.Ile1183=; no amino-acid change (isoleucine 1183 retained).
Molecular consequence: synonymous variant.
Genome position (GRCh38, 1-based): chr2:168,927,225, A>G on the plus strand (T>C on the coding strand, the complement: ABCB11 is on the minus strand). VCF-style: chr2-168927225-A-G. GRCh37 (hg19) VCF-style: chr2-169783735-A-G.
Other names: c.3549T>C (NM_003742.2).
Identifiers: ClinVar variation 1157866 (VCV001157866.10), dbSNP rs770770132, ClinGen allele CA1950993.

ClinVar aggregate classification (germline): Likely benign. Review status: criteria provided, multiple submitters, no conflicts (2 of 4 stars). 2 submissions from 2 submitters: Likely benign (2). Last evaluated 2025-12-18.

Conditions:
ABCB11-related disorder. Also called: ABCB11-related condition.

Allele frequency attached by ClinVar (database versions not stated): TOPMed below 0.00001; gnomAD 0.00001; gnomAD exomes 0.00001; ExAC 0.00002.

Submissions (2):

Labcorp Genetics (formerly Invitae), Labcorp
Classification: Likely benign. Last evaluated: 2025-12-18. Review status: criteria provided, single submitter. Criteria: Invitae Variant Classification Sherloc (09022015). Collection method: clinical testing. Allele origin: germline.

PreventionGenetics, part of Exact Sciences
Classification: Likely benign for ABCB11-related condition. Last evaluated: 2025-06-18. Review status: criteria provided, single submitter. Criteria: ACMG Guidelines, 2015. Collection method: clinical testing. Allele origin: germline.
Comment: This variant is classified as likely benign based on ACMG/AMP sequence variant interpretation guidelines (Richards et al. 2015 PMID: 25741868, with internal and published modifications).